The following is an entry in ClinVar:

ClinVar aggregate classification (germline): Uncertain significance (1 of 4 stars; one submission).

Conditions:
Neutropenia, severe congenital, 1, autosomal dominant. Identifiers: MedGen C1859966, MONDO:0042490, OMIM 202700.
Cyclical neutropenia. Also called: Cyclic hematopoiesis; Cyclic Neutropenia. Identifiers: Orphanet 2686, MedGen C0221023, MONDO:0008090, OMIM 162800, HP:0040289. Disease mechanism: loss of function.

Allele frequency attached by ClinVar (database versions not stated): gnomAD 0.00001; gnomAD exomes 0.00003; TOPMed 0.00003; ExAC 0.00010.
gnomAD v4.1: 22 of 1,612,988 alleles (0.0014%); highest among the groups gnomAD compares: Non-Finnish European, 0.0018%; no homozygotes.

Submission:

Labcorp Genetics (formerly Invitae), Labcorp
Classification: Uncertain significance for Neutropenia, severe congenital, 1, autosomal dominant; Cyclical neutropenia. Last evaluated: 2023-04-09. Review status: criteria provided, single submitter. Criteria: Invitae Variant Classification Sherloc (09022015). Collection method: clinical testing. Allele origin: germline.
Comment: In summary, the available evidence is currently insufficient to determine the role of this variant in disease. Therefore, it has been classified as a Variant of Uncertain Significance. Advanced modeling of protein sequence and biophysical properties (such as structural, functional, and spatial information, amino acid conservation, physicochemical variation, residue mobility, and thermodynamic stability) performed at Invitae indicates that this missense variant is not expected to disrupt ELANE protein function. This variant has not been reported in the literature in individuals affected with ELANE-related conditions. This variant is present in population databases (rs199929892, gnomAD 0.01%). This sequence change replaces glutamine, which is neutral and polar, with leucine, which is neutral and non-polar, at codon 247 of the ELANE protein (p.Gln247Leu).

NM_001972.4(ELANE):c.740A>T (p.Gln247Leu)

Gene: ELANE (elastase, neutrophil expressed; plus strand). Cytogenetic location: 19p13.3.
Variant type: single nucleotide variant.
Coding change: c.740A>T on transcript NM_001972.4 (MANE Select); coding-DNA position 740, A replaced by T.
Protein change: p.Gln247Leu; replaces glutamine 247 with leucine.
Molecular consequence: missense variant.
Genome position (GRCh38, 1-based): chr19:856,100, A>T. VCF-style: chr19-856100-A-T. GRCh37 (hg19) VCF-style: chr19-856100-A-T.
Other names: short protein forms Q247L.
Identifiers: ClinVar variation 2950918 (VCV002950918.3), dbSNP rs199929892, ClinGen allele CA9026153.